The following is an entry in ClinVar:

ClinVar aggregate classification (germline): Likely benign (1 of 4 stars; one submission).

Allele frequency attached by ClinVar (database versions not stated): gnomAD 0.00341 and 0.00362; TOPMed 0.00357; 1000 Genomes Project 30x 0.00437; 1000 Genomes Project 0.00439.
gnomAD v4.1: 511 of 152,274 alleles (0.34%); highest among the groups gnomAD compares: African/African-American, 1.2%; 5 homozygotes.

Submission:

GeneDx
Classification: Likely benign. Last evaluated: 2018-06-14. Review status: criteria provided, single submitter. Criteria: GeneDx Variant Classification (06012015). Collection method: clinical testing. Allele origin: germline. Affected: yes.
Comment: This variant is considered likely benign or benign based on one or more of the following criteria: it is a conservative change, it occurs at a poorly conserved position in the protein, it is predicted to be benign by multiple in silico algorithms, and/or has population frequency not consistent with disease.

NM_001042492.3(NF1):c.1527+1465G>T

Gene: NF1 (neurofibromin 1; plus strand). Cytogenetic location: 17q11.2.
Variant type: single nucleotide variant.
Coding change: c.1527+1465G>T on transcript NM_001042492.3 (MANE Select); 1465 bases into the intron after coding-DNA position 1527, G replaced by T.
Molecular consequence: intron variant.
Genome position (GRCh38, 1-based): chr17:31,216,050, G>T. VCF-style: chr17-31216050-G-T. GRCh37 (hg19) VCF-style: chr17-29543068-G-T.
Other names: c.1527+1465G>T (NM_000267.4, NM_001128147.3).
Identifiers: ClinVar variation 561919 (VCV000561919.1), dbSNP rs143943885, ClinGen allele CA289357466.
Genomic context (GRCh38, chr17:31,216,050, plus strand): 5'-CCTGTGATACTTTAAGCCTGAAAAACCCATTCAAGTTTGAAAGTCTAATTAGAATAAACA[G>T]ATCTTTGGCATGAAAAAATTCCATAAAACCTGTCAGTGAAACTCTATAAAAAAATGAAGT-3'